The following is an entry in ClinVar:

NM_000088.4(COL1A1):c.2418del (p.Gly809fs)

Gene: COL1A1 (collagen type I alpha 1 chain; minus strand). Cytogenetic location: 17q21.33.
Variant type: Deletion.
Coding change: c.2418del on transcript NM_000088.4 (MANE Select); coding-DNA position 2418, one base deleted (T; older notation c.2418delT).
Protein change: p.Gly809fs; shifts the reading frame from glycine 809.
Molecular consequence: frameshift variant.
Genome position (GRCh38, 1-based): chr17:50,190,360, A deleted on the plus strand (T on the coding strand, the reverse complement: COL1A1 is on the minus strand). VCF-style (leftmost placement, unchanged base first): chr17-50190359-GA-G. GRCh37 (hg19) VCF-style: chr17-48267720-GA-G.
Other names: Gly809AlaFsX299; c.2418delT (NM_000088.3); short protein forms G809fs.
Identifiers: ClinVar variation 35911 (VCV000035911.3), dbSNP rs193922148, ClinGen allele CA260295.

ClinVar aggregate classification (germline): Likely pathogenic (1 of 4 stars; one submission).

Conditions:
Osteogenesis imperfecta (OI). Identifiers: Orphanet 666, MedGen C0029434, MeSH D010013, MONDO:0019019.

Submission:

Women's Health and Genetics/Laboratory Corporation of America, LabCorp
Classification: Likely pathogenic for Osteogenesis Imperfecta. Last evaluated: 2011-08-18. Review status: criteria provided, single submitter. Criteria: LabCorp Variant Classification Summary - May 2015. Collection method: curation, clinical testing. Allele origin: germline. Inheritance: autosomal unknown. Affected: yes.
ClinVar note: Converted during submission from likely pathogenic to Likely pathogenic.